The following is an entry in ClinVar:

NM_001267550.2(TTN):c.11311+2614G>A

Gene: TTN (titin; minus strand). Cytogenetic location: 2q31.2.
Variant type: single nucleotide variant.
Coding change: c.11311+2614G>A on transcript NM_001267550.2 (MANE Select); 2614 bases into the intron after coding-DNA position 11311, G replaced by A.
Molecular consequence: intron variant. On other transcripts: missense variant (1).
Genome position (GRCh38, 1-based): chr2:178,750,510, C>T on the plus strand (G>A on the coding strand, the complement: TTN is on the minus strand). VCF-style: chr2-178750510-C-T. GRCh37 (hg19) VCF-style: chr2-179615237-C-T.
Other names: c.10360+2614G>A (NM_133378.4, NM_001256850.1); c.11890G>A, p.Val3964Met (NM_133379.5); c.10222+2614G>A (NM_003319.4); c.10798+2614G>A (NM_133437.4); c.10597+2614G>A (NM_133432.3); short protein forms V3964M.
Identifiers: ClinVar variation 3355180 (VCV003355180.2).

ClinVar aggregate classification (germline): Uncertain significance (1 of 4 stars; one submission).

Conditions:
TTN-related disorder. Also called: TTN-related condition; TTN-related disease; TTN-related disorders.

gnomAD v4.1: 7 of 1,612,596 alleles (0.00043%); highest among the groups gnomAD compares: African/African-American, 0.008%; no homozygotes.

Submission:

PreventionGenetics, part of Exact Sciences
Classification: Uncertain significance for TTN-related condition. Last evaluated: 2025-06-05. Review status: criteria provided, single submitter. Criteria: ACMG Guidelines, 2015. Collection method: clinical testing. Allele origin: germline.
Comment: The TTN c.11890G>A variant is predicted to result in the amino acid substitution p.Val3964Met. This variant is also referred to as c.11890G>A (p.Val3964Met) in the Novex-3 transcript NM_133379. This variant is located in exon 46 of the Novex-3 transcript (minor small cardiac isoform) which is the last exon of this transcript. This exon is not included in any other TTN transcripts (principle cardiac or skeletal muscle isoforms). To our knowledge, this variant has not been reported in the literature. This variant is reported in 0.031% of alleles in individuals of African descent in gnomAD. At this time, the clinical significance of this variant is uncertain due to the absence of conclusive functional and genetic evidence.